The following is an entry in ClinVar:

ClinVar aggregate classification (germline): Pathogenic (1 of 4 stars; one submission).

Conditions:
Methylmalonic acidemia with homocystinuria, type cblJ (MAHCJ). Also called: METHYLMALONIC ACIDURIA AND HOMOCYSTINURIA, cblJ TYPE. Identifiers: Orphanet 369955, MedGen C3553915, MONDO:0013925, OMIM 614857.

Submission:

Labcorp Genetics (formerly Invitae), Labcorp
Classification: Pathogenic for Methylmalonic acidemia with homocystinuria, type cblJ. Last evaluated: 2023-08-25. Review status: criteria provided, single submitter. Criteria: Invitae Variant Classification Sherloc (09022015). Collection method: clinical testing. Allele origin: germline.
Comment: For these reasons, this variant has been classified as Pathogenic. This variant has not been reported in the literature in individuals affected with ABCD4-related conditions. This variant is not present in population databases (gnomAD no frequency). This sequence change creates a premature translational stop signal (p.Phe387Ilefs*4) in the ABCD4 gene. It is expected to result in an absent or disrupted protein product. Loss-of-function variants in ABCD4 are known to be pathogenic (PMID: 22922874).

Literature cited by the submitters: PubMed 22922874.

NM_005050.4(ABCD4):c.1158dup (p.Phe387fs)

Gene: ABCD4 (ATP binding cassette subfamily D member 4; minus strand). Cytogenetic location: 14q24.3.
Variant type: Duplication.
Coding change: c.1158dup on transcript NM_005050.4 (MANE Select); coding-DNA position 1158, one base duplicated (A; older notation c.1158dupA).
Protein change: p.Phe387fs; shifts the reading frame from phenylalanine 387.
Molecular consequence: frameshift variant. On other transcripts: non-coding transcript variant (10).
Genome position (GRCh38, 1-based): chr14:74,290,460, T duplicated on the plus strand (A on the coding strand, the reverse complement: ABCD4 is on the minus strand). VCF-style (leftmost placement, unchanged base first): chr14-74290459-A-AT. GRCh37 (hg19) VCF-style: chr14-74757162-A-AT.
Other names: c.1032dup, p.Phe345fs (NM_001353591.2, NM_001353592.2); c.897dup, p.Phe300fs (NM_001353593.2); c.846dup, p.Phe283fs (NM_001353594.2); c.744dup, p.Phe249fs (NM_001353595.2, NM_001353596.2); c.693dup, p.Phe232fs (NM_001353597.2); c.681dup, p.Phe228fs (NM_001353598.2, NM_001353599.2, NM_001353600.2 and 2 more transcripts); c.369dup, p.Phe124fs (NM_001353602.2, NM_001353603.2, NM_001353604.2 and 6 more transcripts); c.1029dup, p.Phe344Ilefs (NM_020323.1); and 1 more; short protein forms F124fs, F228fs, F232fs, F283fs, F345fs, F249fs, F300fs, F387fs.
Identifiers: ClinVar variation 2752020 (VCV002752020.3), dbSNP rs2505338898, ClinGen allele CA2697554020.